The following is an entry in ClinVar:

NM_152617.4(RNF168):c.391C>T (p.Arg131Ter)

Gene: RNF168 (ring finger protein 168; minus strand). Cytogenetic location: 3q29.
Variant type: single nucleotide variant.
Coding change: c.391C>T on transcript NM_152617.4 (MANE Select); coding-DNA position 391, C replaced by T.
Protein change: p.Arg131Ter; replaces arginine 131 with a stop codon.
Molecular consequence: nonsense.
Genome position (GRCh38, 1-based): chr3:196,487,566, G>A on the plus strand (C>T on the coding strand, the complement: RNF168 is on the minus strand). VCF-style: chr3-196487566-G-A. GRCh37 (hg19) VCF-style: chr3-196214437-G-A.
Other names: c.391C>T (NM_152617.3); short protein forms R131*.
Identifiers: ClinVar variation 140755 (VCV000140755.11), dbSNP rs201915239, ClinGen allele CA215012.

ClinVar aggregate classification (germline): Pathogenic/Likely pathogenic. Review status: criteria provided, multiple submitters, no conflicts (2 of 4 stars). 4 submissions from 4 submitters: Pathogenic (1); Likely pathogenic (1). 2 of the submissions do not count toward it. Last evaluated 2024-08-31.

Conditions:
RNF168-related disorder. Also called: RNF168-related condition.
RIDDLE syndrome. Identifiers: Orphanet 420741, MedGen C2677792, MONDO:0012764, OMIM 611943.

Allele frequency attached by ClinVar (database versions not stated): gnomAD 0.00001; gnomAD exomes 0.00001; TOPMed 0.00002; ESP Exome Variant Server 0.00008.
gnomAD v4.1: 15 of 1,613,784 alleles (0.00093%); highest among the groups gnomAD compares: Admixed American, 0.0017%; no homozygotes.

Submissions (4):

Labcorp Genetics (formerly Invitae), Labcorp
Classification: Pathogenic. Last evaluated: 2024-08-31. Review status: criteria provided, single submitter. Criteria: Invitae Variant Classification Sherloc (09022015). Collection method: clinical testing. Allele origin: germline.
Comment: This sequence change creates a premature translational stop signal (p.Arg131*) in the RNF168 gene. It is expected to result in an absent or disrupted protein product. Loss-of-function variants in RNF168 are known to be pathogenic (PMID: 19203578, 21394101). This variant is present in population databases (rs201915239, gnomAD 0.006%). This premature translational stop signal has been observed in individual(s) with RNF168-related conditions (PMID: 21394101). ClinVar contains an entry for this variant (Variation ID: 140755). For these reasons, this variant has been classified as Pathogenic.

Eurofins Ntd Llc (ga)
Classification: Likely pathogenic. Last evaluated: 2017-05-15. Review status: criteria provided, single submitter. Criteria: EGL Classification Definitions 2015. Collection method: clinical testing. Allele origin: germline. Observed: 1 variant allele, 1 heterozygote.

PreventionGenetics, part of Exact Sciences
Classification: Pathogenic for RNF168-related condition. Last evaluated: 2024-09-20. Review status: no assertion criteria provided. Collection method: clinical testing. Allele origin: germline. Not counted in ClinVar's aggregate classification.
Comment: The RNF168 c.391C>T variant is predicted to result in premature protein termination (p.Arg131*). This variant has been reported in the homozygous state in an individual with a phenotype consistent with RNF168-related disease (Devgan et al. 2011. PubMed ID: 21394101). Cultured cells from this individual exhibited poor survival following exposure to ionizing radiation, S-phase checkpoint defects, and an impaired response to DNA damage (Devgan et al. 2011. PubMed ID: 21394101). This variant has also been reported in the heterozygous state in an individual with pancreatic cancer who also possessed a heterozygous CFTR missense variant (CFTR: p.Gln1352His, Slavin et al. 2018. PubMed ID: 28687971). This variant is reported in 0.0058% of alleles in individuals of Latino descent in gnomAD. Nonsense variants in RNF168 are expected to be pathogenic. This variant is interpreted as pathogenic.

OMIM
Classification: Pathogenic for RIDDLE SYNDROME. Last evaluated: 2011-09-01. Review status: no assertion criteria provided. Collection method: literature only. Allele origin: germline. Not counted in ClinVar's aggregate classification.

Literature cited by the submitters: PubMed 19203578 (cited by Labcorp Genetics (formerly Invitae), Labcorp and Eurofins Ntd Llc (ga)); PubMed 21394101 (cited by 3 submitters).